The following is an entry in ClinVar:

ClinVar aggregate classification (germline): Likely benign (0 of 4 stars; one submission).

Conditions:
LGR4-related disorder. Also called: LGR4-related condition.

Allele frequency attached by ClinVar (database versions not stated): ExAC 0.00001; gnomAD 0.00001; gnomAD exomes 0.00001; TOPMed 0.00001.
gnomAD v4.1: 19 of 1,607,508 alleles (0.0012%); highest among the groups gnomAD compares: Non-Finnish European, 0.0016%; no homozygotes.

Submission:

PreventionGenetics, part of Exact Sciences
Classification: Likely benign for LGR4-related condition. Last evaluated: 2019-06-19. Review status: no assertion criteria provided. Collection method: clinical testing. Allele origin: germline.
Comment: This variant is classified as likely benign based on ACMG/AMP sequence variant interpretation guidelines (Richards et al. 2015 PMID: 25741868, with internal and published modifications).

NM_018490.5(LGR4):c.2169T>C (p.Val723=)

Gene: LGR4 (leucine rich repeat containing G protein-coupled receptor 4; minus strand). Cytogenetic location: 11p14.1.
Variant type: single nucleotide variant.
Coding change: c.2169T>C on transcript NM_018490.5 (MANE Select); coding-DNA position 2169, T replaced by C.
Protein change: p.Val723=; no amino-acid change (valine 723 retained).
Molecular consequence: synonymous variant.
Genome position (GRCh38, 1-based): chr11:27,368,554, A>G on the plus strand (T>C on the coding strand, the complement: LGR4 is on the minus strand). VCF-style: chr11-27368554-A-G. GRCh37 (hg19) VCF-style: chr11-27390101-A-G.
Other names: c.2097T>C, p.Val699= (NM_001346432.2).
Identifiers: ClinVar variation 3033965 (VCV003033965.2), dbSNP rs772615898, ClinGen allele CA5928211.